The following is an entry in ClinVar:

NM_000166.6(GJB1):c.271G>C (p.Val91Leu)

Gene: GJB1 (gap junction protein beta 1; plus strand). Cytogenetic location: Xq13.1.
Variant type: single nucleotide variant.
Coding change: c.271G>C on transcript NM_000166.6 (MANE Select); coding-DNA position 271, G replaced by C.
Protein change: p.Val91Leu; replaces valine 91 with leucine.
Molecular consequence: missense variant.
Genome position (GRCh38, 1-based): chrX:71,223,978, G>C. VCF-style: chrX-71223978-G-C. GRCh37 (hg19) VCF-style: chrX-70443828-G-C.
Other names: c.271G>C, p.Val91Leu (NM_001097642.3); short protein forms V91L.
Identifiers: ClinVar variation 447429 (VCV000447429.4), dbSNP rs756928158, ClinGen allele CA413501722.

ClinVar aggregate classification (germline): Uncertain significance. Review status: criteria provided, multiple submitters, no conflicts (2 of 4 stars). 3 submissions from 3 submitters: Uncertain significance (2). 1 of the submissions does not count toward it. Last evaluated 2025-01-21.

Conditions:
Charcot-Marie-Tooth disease. Also called: Charcot-Marie-Tooth Neuropathy; Charcot-Marie-Tooth Hereditary Neuropathy. Identifiers: Orphanet 166, MedGen C0007959, MONDO:0015626.
Charcot-Marie-Tooth Neuropathy X. Identifiers: MedGen CN118851.

Submissions (3):

Labcorp Genetics (formerly Invitae), Labcorp
Classification: Uncertain significance for Charcot-Marie-Tooth Neuropathy X. Last evaluated: 2025-01-21. Review status: criteria provided, single submitter. Criteria: Invitae Variant Classification Sherloc (09022015). Collection method: clinical testing. Allele origin: germline.
Comment: This sequence change replaces valine, which is neutral and non-polar, with leucine, which is neutral and non-polar, at codon 91 of the GJB1 protein (p.Val91Leu). This variant is not present in population databases (gnomAD no frequency). This missense change has been observed in individual(s) with clinical features of X-linked Charcot-Marie-Tooth disease (PMID: 19448103, 37284795). ClinVar contains an entry for this variant (Variation ID: 447429). Invitae Evidence Modeling of protein sequence and biophysical properties (such as structural, functional, and spatial information, amino acid conservation, physicochemical variation, residue mobility, and thermodynamic stability) has been performed for this missense variant. However, the output from this modeling did not meet the statistical confidence thresholds required to predict the impact of this variant on GJB1 protein function. This variant disrupts the p.Val91 amino acid residue in GJB1. Other variant(s) that disrupt this residue have been determined to be pathogenic (PMID: 11140841, 11571214, 22464564, 27027447, 27844031, 28097225). This suggests that this residue is clinically significant, and that variants that disrupt this residue are likely to be disease-causing. In summary, the available evidence is currently insufficient to determine the role of this variant in disease. Therefore, it has been classified as a Variant of Uncertain Significance.

Athena Diagnostics
Classification: Uncertain significance. Last evaluated: 2016-11-18. Review status: criteria provided, single submitter. Criteria: Athena Diagnostics Criteria. Collection method: clinical testing. Allele origin: germline.

Inherited Neuropathy Consortium
Classification: Uncertain significance for Charcot-Marie-Tooth disease. Review status: no assertion criteria provided. Collection method: literature only. Allele origin: germline. Affected: yes. Not counted in ClinVar's aggregate classification.

Literature cited by the submitters: PubMed 19448103 (cited by 3 submitters); PubMed 37284795 (cited by Labcorp Genetics (formerly Invitae), Labcorp); PubMed 11140841 (cited by Labcorp Genetics (formerly Invitae), Labcorp); PubMed 11571214 (cited by Labcorp Genetics (formerly Invitae), Labcorp); PubMed 22464564 (cited by Labcorp Genetics (formerly Invitae), Labcorp and Athena Diagnostics); PubMed 27027447 (cited by Labcorp Genetics (formerly Invitae), Labcorp); PubMed 27844031 (cited by Labcorp Genetics (formerly Invitae), Labcorp); PubMed 28097225 (cited by Labcorp Genetics (formerly Invitae), Labcorp).